The following is an entry in ClinVar:

NM_020693.4(DSCAML1):c.2359+3G>A

Gene: DSCAML1 (DS cell adhesion molecule like 1; minus strand). Cytogenetic location: 11q23.3.
Variant type: single nucleotide variant.
Coding change: c.2359+3G>A on transcript NM_020693.4 (MANE Select); 3 bases into the intron after coding-DNA position 2359, G replaced by A.
Molecular consequence: intron variant.
Genome position (GRCh38, 1-based): chr11:117,503,842, C>T on the plus strand (G>A on the coding strand, the complement: DSCAML1 is on the minus strand). VCF-style: chr11-117503842-C-T. GRCh37 (hg19) VCF-style: chr11-117374557-C-T.
Other names: c.2359+3G>A (NM_001367904.1).
Identifiers: ClinVar variation 2041282 (VCV002041282.4), dbSNP rs2543227171, ClinGen allele CA2580083502.

ClinVar aggregate classification (germline): Uncertain significance (1 of 4 stars; one submission).

Submission:

Labcorp Genetics (formerly Invitae), Labcorp
Classification: Uncertain significance. Last evaluated: 2021-12-13. Review status: criteria provided, single submitter. Criteria: Invitae Variant Classification Sherloc (09022015). Collection method: clinical testing. Allele origin: germline.
Comment: In summary, the available evidence is currently insufficient to determine the role of this variant in disease. Therefore, it has been classified as a Variant of Uncertain Significance. Variants that disrupt the consensus splice site are a relatively common cause of aberrant splicing (PMID: 17576681, 9536098). Algorithms developed to predict the effect of sequence changes on RNA splicing suggest that this variant is not likely to affect RNA splicing. This variant has not been reported in the literature in individuals affected with DSCAML1-related conditions. This variant is not present in population databases (gnomAD no frequency). This sequence change falls in intron 11 of the DSCAML1 gene. It does not directly change the encoded amino acid sequence of the DSCAML1 protein. It affects a nucleotide within the consensus splice site.

Literature cited by the submitters: PubMed 17576681; PubMed 9536098.